The following is an entry in ClinVar:

NM_182758.4(WDR72):c.2019dup (p.Trp674fs)

Gene: WDR72 (WD repeat domain 72; minus strand). Cytogenetic location: 15q21.3.
Variant type: Duplication.
Coding change: c.2019dup on transcript NM_182758.4 (MANE Select); coding-DNA position 2019, one base duplicated (A; older notation c.2019dupA).
Protein change: p.Trp674fs; shifts the reading frame from tryptophan 674.
Molecular consequence: frameshift variant. On other transcripts: non-coding transcript variant (1).
Genome position (GRCh38, 1-based): chr15:53,616,187, T duplicated on the plus strand (A on the coding strand, the reverse complement: WDR72 is on the minus strand); the first of 4 consecutive T bases (chr15:53,616,187-53,616,190); duplicating any one gives the same sequence. VCF-style (leftmost placement, unchanged base first): chr15-53616186-A-AT. GRCh37 (hg19) VCF-style: chr15-53908383-A-AT.
Other names: short protein forms W674fs.
Identifiers: ClinVar variation 3076032 (VCV003076032.2), dbSNP rs779460257, ClinGen allele CA7570953.
Genomic context (GRCh38, chr15:53,616,186, plus strand): 5'-GCAAAAGTTCAACAAGGTTTTCCAGATCAAATAGAAGAATATGAAAGCCAACGTTACTCC[A>AT]TTTTGTCTTCACAGGCAAGACATTAAAAGGTCTTGGGCAAAATTTGGCATCAGTAACCTA-3'

ClinVar aggregate classification (germline): Likely pathogenic. Review status: criteria provided, multiple submitters, no conflicts (2 of 4 stars). 2 submissions from 2 submitters: Likely pathogenic (2). Last evaluated 2024-03-26.

Conditions:
Amelogenesis imperfecta (AI). Also called: Congenital enamel hypoplasia. Identifiers: Orphanet 88661, MedGen C0002452, MONDO:0019507, HP:0000705.
Amelogenesis imperfecta hypomaturation type 2A3. Also called: Amelogenesis imperfecta, type IIA3. Identifiers: Orphanet 88661, MedGen C2750771, MONDO:0013181, OMIM 613211. Disease mechanism: loss of function.

Submissions (2):

Fulgent Genetics
Classification: Likely pathogenic for Amelogenesis imperfecta hypomaturation type 2A3. Last evaluated: 2024-03-26. Review status: criteria provided, single submitter. Criteria: ACMG Guidelines, 2015. Collection method: clinical testing. Allele origin: germline.

Laboratory for Molecular Medicine, Mass General Brigham Personalized Medicine
Classification: Likely pathogenic for Amelogenesis imperfecta. Last evaluated: 2017-08-02. Review status: criteria provided, single submitter. Criteria: ACMG Guidelines, 2015. Collection method: clinical testing. Allele origin: germline. Inheritance: Autosomal recessive inheritance.
Comment: The p.Trp674MetfsX3 variant in WDR72 has not been previously reported in individuals with disease, but has been identified in 5/23,944 of African chromosomes by the Genome Aggregation Consortium gnomAD; dbSNP rs779460257). Although this variant has been seen in the general population, its frequency is low enough to be consistent with a recessive carrier frequency. This variant is predicted to cause a frameshift, which alters the protein’s amino acid sequence beginning at position 674 and leads to a premature termination codon 3 amino acids downstream. This alteration is then predicted to lead to a truncated or absent protein. Biallelic loss of function of the WDR72 gene is associated to non-syndromic amelogenesis imperfecta. In summary, although additional studies are required to fully establish its clinical significance, the p.Trp674MetfsX3 variant in WDR72 is likely pathogenic.